The following is an entry in ClinVar:

NM_001267550.2(TTN):c.60874T>C (p.Trp20292Arg)

Genes: TTN (titin; minus strand), TTN-AS1 (TTN antisense RNA 1; plus strand). Cytogenetic location: 2q31.2.
Variant type: single nucleotide variant.
Coding change: c.60874T>C on transcript NM_001267550.2 (MANE Select); coding-DNA position 60874, T replaced by C.
Protein change: p.Trp20292Arg; replaces tryptophan 20292 with arginine.
Molecular consequence: missense variant.
Genome position (GRCh38, 1-based): chr2:178,590,851, A>G on the plus strand (T>C on the coding strand, the complement: TTN is on the minus strand). VCF-style: chr2-178590851-A-G. GRCh37 (hg19) VCF-style: chr2-179455578-A-G.
Other names: c.55951T>C, p.Trp18651Arg (NM_001256850.1); c.33679T>C, p.Trp11227Arg (NM_003319.4); c.53170T>C, p.Trp17724Arg (NM_133378.4); c.34054T>C, p.Trp11352Arg (NM_133432.3); c.34255T>C, p.Trp11419Arg (NM_133437.4); short protein forms W11227R, W20292R, W18651R, W11419R, W17724R, W11352R.
Identifiers: ClinVar variation 518637 (VCV000518637.6), dbSNP rs748357485, ClinGen allele CA1992436.

ClinVar aggregate classification (germline): Uncertain significance. Review status: criteria provided, multiple submitters, no conflicts (2 of 4 stars). 2 submissions from 2 submitters: Uncertain significance (2). Last evaluated 2025-04-11.

Conditions:
Cardiovascular phenotype. Identifiers: MedGen CN230736.

Allele frequency attached by ClinVar (database versions not stated): ExAC 0.00002; gnomAD exomes 0.00002; TOPMed below 0.00001.
gnomAD v4.1: 17 of 1,610,172 alleles (0.0011%); highest among the groups gnomAD compares: East Asian, 0.027%; no homozygotes.

Submissions (2):

ARUP Laboratories, Molecular Genetics and Genomics, ARUP Laboratories
Classification: Uncertain significance. Last evaluated: 2025-04-11. Review status: criteria provided, single submitter. Criteria: ARUP Molecular Germline Variant Investigation Process 2024. Collection method: clinical testing. Allele origin: germline.
Comment: The TTN c.60874T>C; p.Trp20292Arg variant (rs748357485; ClinVar Variation ID: 518637) is rare in the general population (<0.2% allele frequency in the Genome Aggregation Database) and has not been reported in the medical literature in association with dilated cardiomyopathy (DCM) or other TTN-related disease. The clinical relevance of rare missense variants in this gene, which are identified on average once per individual sequenced in affected populations (Herman 2012), is not well understood. Yet, evidence suggests that the vast majority of such missense variants do not contribute to the clinical outcome of DCM (Begay 2015). Thus, the clinical significance of the p.Trp20292Arg variant cannot be determined with certainty. References: Begay RL et al. Role of Titin Missense Variants in Dilated Cardiomyopathy. J Am Heart Assoc. 2015 Nov 13;4(11). PMID: 26567375. Herman DS et al. Truncations of titin causing dilated cardiomyopathy. N Engl J Med. 2012 Feb 16;366(7):619-28. PMID: 22335739. Linke WA and Hamdani N. Gigantic business: titin properties and function through thick and thin. Circ Res 2014; 114(6): 1052-1068. PMID: 24625729.

Ambry Genetics
Classification: Uncertain significance for Cardiovascular phenotype. Last evaluated: 2017-03-14. Review status: criteria provided, single submitter. Criteria: Ambry Variant Classification Scheme 2023. Collection method: clinical testing. Allele origin: germline.
Comment: The p.W11227R variant (also known as c.33679T>C), located in coding exon 131 of the TTN gene, results from a T to C substitution at nucleotide position 33679. The tryptophan at codon 11227 is replaced by arginine, an amino acid with dissimilar properties. This amino acid position is highly conserved in available vertebrate species. In addition, this alteration is predicted to be deleterious by in silico analysis. Since supporting evidence is limited at this time, the clinical significance of this alteration remains unclear.